The following is an entry in ClinVar:

ClinVar aggregate classification (germline): Uncertain significance (1 of 4 stars; one submission).

Allele frequency attached by ClinVar (database versions not stated): ExAC 0.00002; gnomAD 0.00006; TOPMed 0.00006; ESP Exome Variant Server 0.00008.
gnomAD v4.1: 53 of 1,610,630 alleles (0.0033%); highest among the groups gnomAD compares: Middle Eastern, 0.016%; no homozygotes.

Submission:

Labcorp Genetics (formerly Invitae), Labcorp
Classification: Uncertain significance. Last evaluated: 2025-12-28. Review status: criteria provided, single submitter. Criteria: Invitae Variant Classification Sherloc (09022015). Collection method: clinical testing. Allele origin: germline.
Comment: This sequence change replaces arginine, which is basic and polar, with cysteine, which is neutral and slightly polar, at codon 65 of the IL12RB2 protein (p.Arg65Cys). This variant is present in population databases (rs140166116, gnomAD 0.01%). This variant has not been reported in the literature in individuals affected with IL12RB2-related conditions. ClinVar contains an entry for this variant (Variation ID: 2060438). An algorithm developed to predict the effect of missense changes on protein structure and function (PolyPhen-2) suggests that this variant is likely to be tolerated. In summary, the available evidence is currently insufficient to determine the role of this variant in disease. Therefore, it has been classified as a Variant of Uncertain Significance.

NM_001374259.2(IL12RB2):c.193C>T (p.Arg65Cys)

Gene: IL12RB2 (interleukin 12 receptor subunit beta 2; plus strand). Cytogenetic location: 1p31.3.
Variant type: single nucleotide variant.
Coding change: c.193C>T on transcript NM_001374259.2 (MANE Select); coding-DNA position 193, C replaced by T.
Protein change: p.Arg65Cys; replaces arginine 65 with cysteine.
Molecular consequence: missense variant. On other transcripts: non-coding transcript variant (2).
Genome position (GRCh38, 1-based): chr1:67,321,718, C>T. VCF-style: chr1-67321718-C-T. GRCh37 (hg19) VCF-style: chr1-67787401-C-T.
Other names: c.193C>T, p.Arg65Cys (NM_001258214.1, NM_001258215.1, NM_001258216.1 and 2 more transcripts); short protein forms R65C.
Identifiers: ClinVar variation 2060438 (VCV002060438.4), dbSNP rs140166116, ClinGen allele CA900139.
Genomic context (GRCh38, chr1:67,321,718, plus strand): 5'-TCCACTGTCAATATTACATGCTCTTTGAAGCCCAGACAAGGCTGCTTTCACTATTCCAGA[C>T]GTAACAAGTTAATCCTGTACAAGTTTGACAGAAGAATCAATTTTCACCATGGCCACTCCC-3'
Protein context (NP_001361188.1, residues 55-75): PRQGCFHYSR[Arg65Cys]NKLILYKFDR